The following is an entry in ClinVar:

ClinVar aggregate classification (germline): Uncertain significance (1 of 4 stars; one submission).

Conditions:
Hereditary cancer-predisposing syndrome. Also called: Neoplastic Syndromes, Hereditary; Tumor predisposition; Hereditary neoplastic syndrome; Hereditary Cancer Syndrome. Identifiers: Orphanet 140162, MedGen C0027672, MeSH D009386, MONDO:0015356.

Submission:

Ambry Genetics
Classification: Uncertain significance for Hereditary cancer-predisposing syndrome. Last evaluated: 2024-05-07. Review status: criteria provided, single submitter. Criteria: Ambry Variant Classification Scheme 2023. Collection method: clinical testing. Allele origin: germline.
Comment: The p.D647Y variant (also known as c.1939G>T), located in coding exon 18 of the POLE gene, results from a G to T substitution at nucleotide position 1939. The aspartic acid at codon 647 is replaced by tyrosine, an amino acid with highly dissimilar properties. This amino acid position is conserved. In addition, this alteration is predicted to be tolerated by in silico analysis. Based on the available evidence, the clinical significance of this variant remains unclear.

NM_006231.4(POLE):c.1939G>T (p.Asp647Tyr)

Gene: POLE (DNA polymerase epsilon, catalytic subunit; minus strand). Cytogenetic location: 12q24.33.
Variant type: single nucleotide variant.
Coding change: c.1939G>T on transcript NM_006231.4 (MANE Select); coding-DNA position 1939, G replaced by T.
Protein change: p.Asp647Tyr; replaces aspartic acid 647 with tyrosine.
Molecular consequence: missense variant.
Genome position (GRCh38, 1-based): chr12:132,668,722, C>A on the plus strand (G>T on the coding strand, the complement: POLE is on the minus strand). VCF-style: chr12-132668722-C-A. GRCh37 (hg19) VCF-style: chr12-133245308-C-A.
Other names: short protein forms D647Y.
Identifiers: ClinVar variation 3308405 (VCV003308405.1).
Genomic context (GRCh38, chr12:132,668,722, plus strand): 5'-TCTTCCGCTGGCAGTTTGCTCCAGGCTTATTGAAGTCACAGGCAGCACAGGTGGCTTCGT[C>A]CACCATGGCAGAGGGCTGGGAGGGGTGAGAAAGCACTTAGGGCTGGGCAGAGAGAGCTCC-3'
Protein context (NP_006222.2, residues 637-657): TNRLQPSAMV[Asp647Tyr]EATCAACDFN